The following is an entry in ClinVar:

NM_001164508.2(NEB):c.2428C>T (p.Gln810Ter)

Gene: NEB (nebulin; minus strand). Cytogenetic location: 2q23.3.
Variant type: single nucleotide variant.
Coding change: c.2428C>T on transcript NM_001164508.2 (MANE Select); coding-DNA position 2428, C replaced by T.
Protein change: p.Gln810Ter; replaces glutamine 810 with a stop codon.
Molecular consequence: nonsense.
Genome position (GRCh38, 1-based): chr2:151,687,721, G>A on the plus strand (C>T on the coding strand, the complement: NEB is on the minus strand). VCF-style: chr2-151687721-G-A. GRCh37 (hg19) VCF-style: chr2-152544235-G-A.
Other names: c.2428C>T, p.Gln810Ter (NM_001164507.2, NM_001271208.2, NM_004543.5); short protein forms Q810*.
Identifiers: ClinVar variation 2877307 (VCV002877307.3), dbSNP rs2552266249, ClinGen allele CA348823006.

ClinVar aggregate classification (germline): Pathogenic (1 of 4 stars; one submission).

Conditions:
Nemaline myopathy 2 (NEM2). Also called: Nemaline myopathy 2, autosomal recessive. Identifiers: MedGen C1850569, MONDO:0009725, OMIM 256030.

Submission:

Labcorp Genetics (formerly Invitae), Labcorp
Classification: Pathogenic for Nemaline myopathy 2. Last evaluated: 2023-03-27. Review status: criteria provided, single submitter. Criteria: Invitae Variant Classification Sherloc (09022015). Collection method: clinical testing. Allele origin: germline.
Comment: For these reasons, this variant has been classified as Pathogenic. This variant has not been reported in the literature in individuals affected with NEB-related conditions. This variant is not present in population databases (gnomAD no frequency). This sequence change creates a premature translational stop signal (p.Gln810*) in the NEB gene. It is expected to result in an absent or disrupted protein product. Loss-of-function variants in NEB are known to be pathogenic (PMID: 25205138).

Literature cited by the submitters: PubMed 25205138.